The following is an entry in ClinVar:

NM_002617.4(PEX10):c.422C>T (p.Ala141Val)

Gene: PEX10 (peroxisomal biogenesis factor 10; minus strand). Cytogenetic location: 1p36.32.
Variant type: single nucleotide variant.
Coding change: c.422C>T on transcript NM_002617.4 (MANE Select); coding-DNA position 422, C replaced by T.
Protein change: p.Ala141Val; replaces alanine 141 with valine.
Molecular consequence: missense variant. On other transcripts: 5 prime UTR variant (2), non-coding transcript variant (1).
Genome position (GRCh38, 1-based): chr1:2,408,630, G>A on the plus strand (C>T on the coding strand, the complement: PEX10 is on the minus strand). VCF-style: chr1-2408630-G-A. GRCh37 (hg19) VCF-style: chr1-2340069-G-A.
Other names: c.422C>T, p.Ala141Val (NM_001374425.1, NM_153818.2); c.-11C>T (NM_001374426.1, NM_001374427.1); short protein forms A141V.
Identifiers: ClinVar variation 1491078 (VCV001491078.4), dbSNP rs778322648, ClinGen allele CA538181.

ClinVar aggregate classification (germline): Uncertain significance (1 of 4 stars; one submission).

Conditions:
Peroxisome biogenesis disorder, complementation group 7 (CG7). Also called: Peroxisome biogenesis disorder, complementation group B. Identifiers: MedGen C1864399.

Allele frequency attached by ClinVar (database versions not stated): ExAC 0.00001; gnomAD 0.00001; gnomAD exomes 0.00001 and 0.00002; TOPMed 0.00002.
gnomAD v4.1: 14 of 1,610,384 alleles (0.00087%); highest among the groups gnomAD compares: Admixed American, 0.005%; no homozygotes.

Submission:

Labcorp Genetics (formerly Invitae), Labcorp
Classification: Uncertain significance for Peroxisome biogenesis disorder, complementation group 7. Last evaluated: 2024-01-19. Review status: criteria provided, single submitter. Criteria: Invitae Variant Classification Sherloc (09022015). Collection method: clinical testing. Allele origin: germline.
Comment: This sequence change replaces alanine, which is neutral and non-polar, with valine, which is neutral and non-polar, at codon 141 of the PEX10 protein (p.Ala141Val). This variant is present in population databases (rs778322648, gnomAD 0.006%). This variant has not been reported in the literature in individuals affected with PEX10-related conditions. ClinVar contains an entry for this variant (Variation ID: 1491078). Algorithms developed to predict the effect of missense changes on protein structure and function output the following: SIFT: "Not Available"; PolyPhen-2: "Benign"; Align-GVGD: "Not Available". The valine amino acid residue is found in multiple mammalian species, which suggests that this missense change does not adversely affect protein function. In summary, the available evidence is currently insufficient to determine the role of this variant in disease. Therefore, it has been classified as a Variant of Uncertain Significance.